The following is an entry in ClinVar:

ClinVar aggregate classification (germline): Conflicting classifications of pathogenicity. Review status: criteria provided, conflicting classifications (1 of 4 stars). 6 submissions from 4 submitters: Uncertain significance (3); Likely benign (3). Last evaluated 2025-03-26.

Conditions:
Infantile cortical hyperostosis. Also called: Hyperostosis, Cortical, Congenital; Caffey Disease; P1PK BLOOD GROUP SYSTEM, P(2) PHENOTYPE. Identifiers: Orphanet 1310, MedGen C0020497, MONDO:0007244, OMIM 114000.
Osteogenesis imperfecta type I (OI1). Also called: Osteogenesis imperfecta type 1; OI, TYPE I; OSTEOGENESIS IMPERFECTA TARDA; OSTEOGENESIS IMPERFECTA WITH BLUE SCLERAE; Lobstein's Disease; Lobstein disease. Identifiers: Orphanet 216796, Orphanet 666, MedGen C0023931, MONDO:0008146, OMIM 166200. Disease mechanism: loss of function.
Cardiovascular phenotype. Identifiers: MedGen CN230736.
Ehlers-Danlos syndrome, arthrochalasia type. Also called: ARTHROCHALASIS MULTIPLEX CONGENITA; EDS VII, MUTANT PROCOLLAGEN TYPE; EDS VIIA; Ehlers-Danlos syndrome, arthrochalasia type, 1; Ehlers-Danlos syndrome, arthrochalasis type. Identifiers: Orphanet 1899, Orphanet 99875, Orphanet 99876, MedGen C4551623, MONDO:0007525, OMIM 130060.
Osteogenesis imperfecta (OI). Identifiers: Orphanet 666, MedGen C0029434, MeSH D010013, MONDO:0019019.

Allele frequency attached by ClinVar (database versions not stated): TOPMed 0.00001.
gnomAD v4.1: 42 of 1,613,882 alleles (0.0026%); highest among the groups gnomAD compares: Admixed American, 0.0033%; 1 homozygote.

Submissions (6):

Ambry Genetics
Classification: Likely benign for Cardiovascular phenotype. Last evaluated: 2025-03-26. Review status: criteria provided, single submitter. Criteria: Ambry Variant Classification Scheme 2023. Collection method: clinical testing. Allele origin: germline.

Labcorp Genetics (formerly Invitae), Labcorp
Classification: Likely benign for Osteogenesis imperfecta type I. Last evaluated: 2025-02-20. Review status: criteria provided, single submitter. Criteria: Invitae Variant Classification Sherloc (09022015). Collection method: clinical testing. Allele origin: germline.

GeneDx
Classification: Uncertain significance. Last evaluated: 2023-05-22. Review status: criteria provided, single submitter. Criteria: GeneDx Variant Classification Process June 2021. Collection method: clinical testing. Allele origin: germline. Affected: yes.
Comment: Not observed at significant frequency in large population cohorts (gnomAD); In silico analysis supports that this missense variant does not alter protein structure/function; Not located in the triple helical region, where the majority of pathogenic missense variants occur (HGMD); Has not been previously published as pathogenic or benign to our knowledge

Illumina Laboratory Services, Illumina
Classification: Uncertain significance for Osteogenesis imperfecta. Last evaluated: 2018-01-13. Review status: criteria provided, single submitter. Criteria: ICSL Variant Classification Criteria 13 December 2019. Collection method: clinical testing. Allele origin: germline.

Illumina Laboratory Services, Illumina
Classification: Uncertain significance for Infantile cortical hyperostosis. Last evaluated: 2018-01-13. Review status: criteria provided, single submitter. Criteria: ICSL Variant Classification Criteria 13 December 2019. Collection method: clinical testing. Allele origin: germline.

Illumina Laboratory Services, Illumina
Classification: Likely benign for Ehlers-Danlos syndrome, arthrochalasia type. Last evaluated: 2018-01-13. Review status: criteria provided, single submitter. Criteria: ICSL Variant Classification Criteria 13 December 2019. Collection method: clinical testing. Allele origin: germline.
Comment: This variant was observed in the ICSL laboratory as part of a predisposition screen in an ostensibly healthy population. It had not been previously curated by ICSL or reported in the Human Gene Mutation Database (HGMD: prior to June 1st, 2018), and was therefore a candidate for classification through an automated scoring system. Utilizing variant allele frequency, disease prevalence and penetrance estimates, and inheritance mode, an automated score was calculated to assess if this variant is too frequent to cause the disease. Based on the score and internal cut-off values, a variant classified as likely benign is not then subjected to further curation. The score for this variant resulted in a classification of likely benign for this disease.

NM_000088.4(COL1A1):c.251C>G (p.Ala84Gly)

Gene: COL1A1 (collagen type I alpha 1 chain; minus strand). Cytogenetic location: 17q21.33.
Variant type: single nucleotide variant.
Coding change: c.251C>G on transcript NM_000088.4 (MANE Select); coding-DNA position 251, C replaced by G.
Protein change: p.Ala84Gly; replaces alanine 84 with glycine.
Molecular consequence: missense variant.
Genome position (GRCh38, 1-based): chr17:50,199,800, G>C on the plus strand (C>G on the coding strand, the complement: COL1A1 is on the minus strand). VCF-style: chr17-50199800-G-C. GRCh37 (hg19) VCF-style: chr17-48277161-G-C.
Other names: short protein forms A84G.
Identifiers: ClinVar variation 526852 (VCV000526852.20), dbSNP rs775095655, ClinGen allele CA8645804.